The following is an entry in ClinVar:

ClinVar aggregate classification (germline): Benign (1 of 4 stars; one submission).

Conditions:
Pseudohypoaldosteronism type 2D (PHA2D). Also called: FAMILIAL HYPERKALEMIC HYPERTENSION; PSEUDOHYPOALDOSTERONISM, TYPE IID, AUTOSOMAL DOMINANT OR RECESSIVE; Pseudohypoaldosteronism Type IID. Identifiers: Orphanet 300525, Orphanet 757, MedGen C3469605, MONDO:0013781, OMIM 614495.

Allele frequency attached by ClinVar (database versions not stated): 1000 Genomes Project 30x 0.29997; 1000 Genomes Project 0.30032; TOPMed 0.40540; gnomAD 0.43278 and 0.43732; gnomAD exomes 0.63785.
gnomAD v4.1: 66,367 of 152,616 alleles (43%); highest among the groups gnomAD compares: Non-Finnish European, 56%; 16,827 homozygotes.

Submission:

Illumina Laboratory Services, Illumina
Classification: Benign for Pseudohypoaldosteronism type 2D. Last evaluated: 2018-01-13. Review status: criteria provided, single submitter. Criteria: ICSL Variant Classification Criteria 13 December 2019. Collection method: clinical testing. Allele origin: germline.
Comment: This variant was observed in the ICSL laboratory as part of a predisposition screen in an ostensibly healthy population. It had not been previously curated by ICSL or reported in the Human Gene Mutation Database (HGMD: prior to June 1st, 2018), and was therefore a candidate for classification through an automated scoring system. Utilizing variant allele frequency, disease prevalence and penetrance estimates, and inheritance mode, an automated score was calculated to assess if this variant is too frequent to cause the disease. Based on the score and internal cut-off values, a variant classified as benign is not then subjected to further curation. The score for this variant resulted in a classification of benign for this disease.

NM_017415.3(KLHL3):c.*2926T>C

Gene: KLHL3 (kelch like family member 3; minus strand). Cytogenetic location: 5q31.2.
Variant type: single nucleotide variant.
Coding change: c.*2926T>C on transcript NM_017415.3 (MANE Select); 2926 bases downstream of the stop codon, T replaced by C.
Molecular consequence: 3 prime UTR variant.
Genome position (GRCh38, 1-based): chr5:137,619,172, A>G on the plus strand (T>C on the coding strand, the complement: KLHL3 is on the minus strand). VCF-style: chr5-137619172-A-G. GRCh37 (hg19) VCF-style: chr5-136954861-A-G.
Other names: c.*2926T>C (NM_001257194.1, NM_001257195.2).
Identifiers: ClinVar variation 350943 (VCV000350943.6), dbSNP rs3813315, ClinGen allele CA10620212.
Genomic context (GRCh38, chr5:137,619,172, plus strand): 5'-ATAGCTTCAATTTTATAAAAAGGCAATCTTTGAAAGGATCTGGCTCAGAAATATACAAAC[A>G]TTACACAACAGATATCAAAGTAAGACAGCTCAAAAAGCATCTTAGGGGATATTGCAACTG-3'